The following is an entry in ClinVar:

NM_001291303.3(FAT4):c.5057A>G (p.His1686Arg)

Gene: FAT4 (FAT atypical cadherin 4; plus strand). Cytogenetic location: 4q28.1.
Variant type: single nucleotide variant.
Coding change: c.5057A>G on transcript NM_001291303.3 (MANE Select); coding-DNA position 5057, A replaced by G.
Protein change: p.His1686Arg; replaces histidine 1686 with arginine.
Molecular consequence: missense variant.
Genome position (GRCh38, 1-based): chr4:125,321,468, A>G. VCF-style: chr4-125321468-A-G. GRCh37 (hg19) VCF-style: chr4-126242623-A-G.
Other names: c.5057A>G, p.His1686Arg (NM_001291285.3, NM_024582.6); short protein forms H1686R.
Identifiers: ClinVar variation 1406669 (VCV001406669.5), dbSNP rs555458566, ClinGen allele CA3072570.

ClinVar aggregate classification (germline): Uncertain significance (1 of 4 stars; one submission).

Allele frequency attached by ClinVar (database versions not stated): gnomAD 0.00001; TOPMed 0.00001; ExAC 0.00002; gnomAD exomes 0.00002; 1000 Genomes Project 30x 0.00016; 1000 Genomes Project 0.00020.
gnomAD v4.1: 17 of 1,614,148 alleles (0.0011%); highest among the groups gnomAD compares: Middle Eastern, 0.049%; no homozygotes.

Submission:

Labcorp Genetics (formerly Invitae), Labcorp
Classification: Uncertain significance. Last evaluated: 2022-07-10. Review status: criteria provided, single submitter. Criteria: Invitae Variant Classification Sherloc (09022015). Collection method: clinical testing. Allele origin: germline.
Comment: This sequence change replaces histidine, which is basic and polar, with arginine, which is basic and polar, at codon 1686 of the FAT4 protein (p.His1686Arg). This variant is present in population databases (rs555458566, gnomAD 0.01%). This variant has not been reported in the literature in individuals affected with FAT4-related conditions. ClinVar contains an entry for this variant (Variation ID: 1406669). Advanced modeling of protein sequence and biophysical properties (such as structural, functional, and spatial information, amino acid conservation, physicochemical variation, residue mobility, and thermodynamic stability) performed at Invitae indicates that this missense variant is not expected to disrupt FAT4 protein function. Algorithms developed to predict the effect of sequence changes on RNA splicing suggest that this variant may create or strengthen a splice site. In summary, the available evidence is currently insufficient to determine the role of this variant in disease. Therefore, it has been classified as a Variant of Uncertain Significance.